The following is an entry in ClinVar:

ClinVar aggregate classification (germline): Uncertain significance (1 of 4 stars; one submission).

Conditions:
Norman-Roberts syndrome (LIS2). Also called: Lissencephaly 2 (Norman-Roberts type). Identifiers: Orphanet 89844, MedGen C0796089, MONDO:0009760, OMIM 257320.
Familial temporal lobe epilepsy 7. Identifiers: Orphanet 101046, MedGen C4225327, MONDO:0014639, OMIM 616436.

gnomAD v4.1: 8 of 1,614,190 alleles (0.0005%); highest among the groups gnomAD compares: Admixed American, 0.0017%; no homozygotes.

Submission:

Labcorp Genetics (formerly Invitae), Labcorp
Classification: Uncertain significance for Familial temporal lobe epilepsy 7; Norman-Roberts syndrome. Last evaluated: 2023-03-03. Review status: criteria provided, single submitter. Criteria: Invitae Variant Classification Sherloc (09022015). Collection method: clinical testing. Allele origin: germline.
Comment: This variant is present in population databases (rs762107181, gnomAD 0.002%). In summary, the available evidence is currently insufficient to determine the role of this variant in disease. Therefore, it has been classified as a Variant of Uncertain Significance. Advanced modeling of protein sequence and biophysical properties (such as structural, functional, and spatial information, amino acid conservation, physicochemical variation, residue mobility, and thermodynamic stability) performed at Invitae indicates that this missense variant is not expected to disrupt RELN protein function. ClinVar contains an entry for this variant (Variation ID: 1382183). This variant has not been reported in the literature in individuals affected with RELN-related conditions. This sequence change replaces alanine, which is neutral and non-polar, with valine, which is neutral and non-polar, at codon 2689 of the RELN protein (p.Ala2689Val).

NM_005045.4(RELN):c.8066C>T (p.Ala2689Val)

Gene: RELN (reelin; minus strand). Cytogenetic location: 7q22.1.
Variant type: single nucleotide variant.
Coding change: c.8066C>T on transcript NM_005045.4 (MANE Select); coding-DNA position 8066, C replaced by T.
Protein change: p.Ala2689Val; replaces alanine 2689 with valine.
Molecular consequence: missense variant.
Genome position (GRCh38, 1-based): chr7:103,515,238, G>A on the plus strand (C>T on the coding strand, the complement: RELN is on the minus strand). VCF-style: chr7-103515238-G-A. GRCh37 (hg19) VCF-style: chr7-103155685-G-A.
Other names: c.8066C>T, p.Ala2689Val (NM_173054.3); short protein forms A2689V.
Identifiers: ClinVar variation 1382183 (VCV001382183.8), dbSNP rs762107181, ClinGen allele CA4420572.